The following is an entry in ClinVar:

NM_006015.6(ARID1A):c.4064C>A (p.Pro1355His)

Gene: ARID1A (AT-rich interaction domain 1A; plus strand). Cytogenetic location: 1p36.11.
Variant type: single nucleotide variant.
Coding change: c.4064C>A on transcript NM_006015.6 (MANE Select); coding-DNA position 4064, C replaced by A.
Protein change: p.Pro1355His; replaces proline 1355 with histidine.
Molecular consequence: missense variant.
Genome position (GRCh38, 1-based): chr1:26,773,861, C>A. VCF-style: chr1-26773861-C-A. GRCh37 (hg19) VCF-style: chr1-27100352-C-A.
Other names: c.4064C>A, p.Pro1355His (NM_139135.4); short protein forms P1355H.
Identifiers: ClinVar variation 1693422 (VCV001693422.5), dbSNP rs1030686989, ClinGen allele CA19809731.
Genomic context (GRCh38, chr1:26,773,861, plus strand): 5'-GACATGATTCCTATGGCAATCAGTTCTCCACCCAAGGCACCCCTTCTGGCAGCCCCTTCC[C>A]CAGCCAGCAGACTACAATGTATCAACAGCAACAGCAGGTGAGGAGGGTAGCTGGGAATGG-3'
Protein context (NP_006006.3, residues 1345-1365): TQGTPSGSPF[Pro1355His]SQQTTMYQQQ

ClinVar aggregate classification (germline): Conflicting classifications of pathogenicity. Review status: criteria provided, conflicting classifications (1 of 4 stars). 3 submissions from 3 submitters: Uncertain significance (2); Likely benign (1). Last evaluated 2025-03-27.

Conditions:
Inborn genetic diseases. Identifiers: MedGen C0950123, MeSH D030342.

Allele frequency attached by ClinVar (database versions not stated): gnomAD exomes below 0.00001; gnomAD 0.00003 and 0.00004; TOPMed 0.00005.
gnomAD v4.1: 10 of 1,614,096 alleles (0.00062%); highest among the groups gnomAD compares: African/African-American, 0.013%; no homozygotes.

Submissions (3):

Ambry Genetics
Classification: Uncertain significance for Inborn genetic diseases. Last evaluated: 2025-03-27. Review status: criteria provided, single submitter. Criteria: Ambry Variant Classification Scheme 2023. Collection method: clinical testing. Allele origin: germline.

Labcorp Genetics (formerly Invitae), Labcorp
Classification: Likely benign. Last evaluated: 2024-03-28. Review status: criteria provided, single submitter. Criteria: Invitae Variant Classification Sherloc (09022015). Collection method: clinical testing. Allele origin: germline.

GeneDx
Classification: Uncertain significance. Last evaluated: 2021-12-27. Review status: criteria provided, single submitter. Criteria: GeneDx Variant Classification Process June 2021. Collection method: clinical testing. Allele origin: germline. Affected: yes.
Comment: In silico analysis supports that this missense variant has a deleterious effect on protein structure/function; Missense variant in a gene in which most reported pathogenic variants are truncating/loss-of-function; Has not been previously published as pathogenic or benign to our knowledge